The following is an entry in ClinVar:

NM_199420.4(POLQ):c.2491G>T (p.Val831Leu)

Gene: POLQ (DNA polymerase theta; minus strand). Cytogenetic location: 3q13.33.
Variant type: single nucleotide variant.
Coding change: c.2491G>T on transcript NM_199420.4 (MANE Select); coding-DNA position 2491, G replaced by T.
Protein change: p.Val831Leu; replaces valine 831 with leucine.
Molecular consequence: missense variant.
Genome position (GRCh38, 1-based): chr3:121,493,509, C>A on the plus strand (G>T on the coding strand, the complement: POLQ is on the minus strand). VCF-style: chr3-121493509-C-A. GRCh37 (hg19) VCF-style: chr3-121212356-C-A.
Other names: short protein forms V831L.
Identifiers: ClinVar variation 2448964 (VCV002448964.2), dbSNP rs2546790639, ClinGen allele CA354107292.

ClinVar aggregate classification (germline): Uncertain significance (1 of 4 stars; one submission).

Submission:

Ambry Genetics
Classification: Uncertain significance. Last evaluated: 2023-01-01. Review status: criteria provided, single submitter. Criteria: Ambry Variant Classification Scheme 2023. Collection method: clinical testing. Allele origin: germline.
Comment: The p.V831L variant (also known as c.2491G>T), located in coding exon 15 of the POLQ gene, results from a G to T substitution at nucleotide position 2491. The valine at codon 831 is replaced by leucine, an amino acid with highly similar properties. This amino acid position is conserved. In addition, this alteration is predicted to be tolerated by in silico analysis. Since supporting evidence is limited at this time, the clinical significance of this alteration remains unclear.